The following is an entry in ClinVar:

NM_002485.5(NBN):c.1651A>G (p.Arg551Gly)

Gene: NBN (nibrin; minus strand). Cytogenetic location: 8q21.3.
Variant type: single nucleotide variant.
Coding change: c.1651A>G on transcript NM_002485.5 (MANE Select); coding-DNA position 1651, A replaced by G.
Protein change: p.Arg551Gly; replaces arginine 551 with glycine.
Molecular consequence: missense variant.
Genome position (GRCh38, 1-based): chr8:89,953,438, T>C on the plus strand (A>G on the coding strand, the complement: NBN is on the minus strand). VCF-style: chr8-89953438-T-C. GRCh37 (hg19) VCF-style: chr8-90965666-T-C.
Other names: c.1405A>G, p.Arg469Gly (NM_001024688.3); short protein forms R469G, R551G.
Identifiers: ClinVar variation 846526 (VCV000846526.9), dbSNP rs1810539994, ClinGen allele CA371655398.

ClinVar aggregate classification (germline): Uncertain significance (1 of 4 stars; one submission).

Conditions:
Microcephaly, normal intelligence and immunodeficiency (NBS). Also called: Microcephaly with normal intelligence immunodeficiency and lymphoreticular malignancies; Nonsyndromal microcephaly autosomal recessive with normal intelligence; Seemanova syndrome 2; Immunodeficiency, microcephaly with normal intelligence; SEEMANOVA SYNDROME II; IMMUNODEFICIENCY, MICROCEPHALY, AND CHROMOSOMAL INSTABILITY. Identifiers: Orphanet 647, MedGen C0398791, MONDO:0009623, OMIM 251260.

Submission:

Labcorp Genetics (formerly Invitae), Labcorp
Classification: Uncertain significance for Microcephaly, normal intelligence and immunodeficiency. Last evaluated: 2023-09-06. Review status: criteria provided, single submitter. Criteria: Invitae Variant Classification Sherloc (09022015). Collection method: clinical testing. Allele origin: germline.
Comment: This variant is not present in population databases (gnomAD no frequency). This sequence change replaces arginine, which is basic and polar, with glycine, which is neutral and non-polar, at codon 551 of the NBN protein (p.Arg551Gly). This variant has not been reported in the literature in individuals affected with NBN-related conditions. In summary, the available evidence is currently insufficient to determine the role of this variant in disease. Therefore, it has been classified as a Variant of Uncertain Significance. An algorithm developed to predict the effect of missense changes on protein structure and function (PolyPhen-2) suggests that this variant is likely to be tolerated. ClinVar contains an entry for this variant (Variation ID: 846526).